The following is an entry in ClinVar:

ClinVar aggregate classification (germline): Uncertain significance (1 of 4 stars; one submission).

Submission:

Labcorp Genetics (formerly Invitae), Labcorp
Classification: Uncertain significance. Last evaluated: 2021-07-16. Review status: criteria provided, single submitter. Criteria: Invitae Variant Classification Sherloc (09022015). Collection method: clinical testing. Allele origin: germline.
Comment: In summary, the available evidence is currently insufficient to determine the role of this variant in disease. Therefore, it has been classified as a Variant of Uncertain Significance. Advanced modeling of protein sequence and biophysical properties (such as structural, functional, and spatial information, amino acid conservation, physicochemical variation, residue mobility, and thermodynamic stability) performed at Invitae indicates that this missense variant is expected to disrupt LRP2 protein function. This variant has not been reported in the literature in individuals affected with LRP2-related conditions. This variant is not present in population databases (ExAC no frequency). This sequence change replaces threonine with isoleucine at codon 3718 of the LRP2 protein (p.Thr3718Ile). The threonine residue is moderately conserved and there is a moderate physicochemical difference between threonine and isoleucine.

NM_004525.3(LRP2):c.11153C>T (p.Thr3718Ile)

Gene: LRP2 (LDL receptor related protein 2; minus strand). Cytogenetic location: 2q31.1.
Variant type: single nucleotide variant.
Coding change: c.11153C>T on transcript NM_004525.3 (MANE Select); coding-DNA position 11153, C replaced by T.
Protein change: p.Thr3718Ile; replaces threonine 3718 with isoleucine.
Molecular consequence: missense variant.
Genome position (GRCh38, 1-based): chr2:169,172,125, G>A on the plus strand (C>T on the coding strand, the complement: LRP2 is on the minus strand). VCF-style: chr2-169172125-G-A. GRCh37 (hg19) VCF-style: chr2-170028635-G-A.
Other names: short protein forms T3718I.
Identifiers: ClinVar variation 1381721 (VCV001381721.8), dbSNP rs970662570, ClinGen allele CA349143131.